The following is an entry in ClinVar:

NM_003872.3(NRP2):c.1010C>T (p.Thr337Ile)

Gene: NRP2 (neuropilin 2; plus strand). Cytogenetic location: 2q33.3.
Variant type: single nucleotide variant.
Coding change: c.1010C>T on transcript NM_003872.3 (MANE Select); coding-DNA position 1010, C replaced by T.
Protein change: p.Thr337Ile; replaces threonine 337 with isoleucine.
Molecular consequence: missense variant.
Genome position (GRCh38, 1-based): chr2:205,727,910, C>T. VCF-style: chr2-205727910-C-T. GRCh37 (hg19) VCF-style: chr2-206592634-C-T.
Other names: c.1010C>T, p.Thr337Ile (NM_018534.4, NM_201264.2, NM_201266.2 and 2 more transcripts); short protein forms T337I.
Identifiers: ClinVar variation 3349127 (VCV003349127.2).

ClinVar aggregate classification (germline): Uncertain significance (1 of 4 stars; one submission).

Conditions:
NRP2-related disorder. Also called: NRP2-related condition.

gnomAD v4.1: 3 of 1,613,734 alleles (0.00019%); highest among the groups gnomAD compares: Non-Finnish European, 0.00017%; no homozygotes.

Submission:

PreventionGenetics, part of Exact Sciences
Classification: Uncertain significance for NRP2-related condition. Last evaluated: 2024-12-23. Review status: criteria provided, single submitter. Criteria: ACMG Guidelines, 2015. Collection method: clinical testing. Allele origin: germline.
Comment: The NRP2 c.1010C>T variant is predicted to result in the amino acid substitution p.Thr337Ile. To our knowledge, this variant has not been reported in the literature or in a large population database (gnomAD), indicating this variant is rare. At this time, the clinical significance of this variant is uncertain due to the absence of conclusive functional and genetic evidence.